The following is an entry in ClinVar:

ClinVar aggregate classification (germline): Uncertain significance (1 of 4 stars; one submission).

Submission:

Labcorp Genetics (formerly Invitae), Labcorp
Classification: Uncertain significance. Last evaluated: 2022-10-29. Review status: criteria provided, single submitter. Criteria: Invitae Variant Classification Sherloc (09022015). Collection method: clinical testing. Allele origin: germline.
Comment: This variant has not been reported in the literature in individuals affected with DCHS1-related conditions. This variant is not present in population databases (gnomAD no frequency). This sequence change replaces asparagine, which is neutral and polar, with lysine, which is basic and polar, at codon 402 of the DCHS1 protein (p.Asn402Lys). Advanced modeling of protein sequence and biophysical properties (such as structural, functional, and spatial information, amino acid conservation, physicochemical variation, residue mobility, and thermodynamic stability) performed at Invitae indicates that this missense variant is not expected to disrupt DCHS1 protein function. In summary, the available evidence is currently insufficient to determine the role of this variant in disease. Therefore, it has been classified as a Variant of Uncertain Significance.

NM_003737.4(DCHS1):c.1206T>G (p.Asn402Lys)

Gene: DCHS1 (dachsous cadherin-related 1; minus strand). Cytogenetic location: 11p15.4.
Variant type: single nucleotide variant.
Coding change: c.1206T>G on transcript NM_003737.4 (MANE Select); coding-DNA position 1206, T replaced by G.
Protein change: p.Asn402Lys; replaces asparagine 402 with lysine.
Molecular consequence: missense variant.
Genome position (GRCh38, 1-based): chr11:6,640,408, A>C on the plus strand (T>G on the coding strand, the complement: DCHS1 is on the minus strand). VCF-style: chr11-6640408-A-C. GRCh37 (hg19) VCF-style: chr11-6661639-A-C.
Other names: short protein forms N402K.
Identifiers: ClinVar variation 1968288 (VCV001968288.5), dbSNP rs2493841269, ClinGen allele CA379436059.